The following is an entry in ClinVar:

NM_001354604.2(MITF):c.762+232C>T

Gene: MITF (melanocyte inducing transcription factor; plus strand). Cytogenetic location: 3p13.
Variant type: single nucleotide variant.
Coding change: c.762+232C>T on transcript NM_001354604.2 (MANE Select); 232 bases into the intron after coding-DNA position 762, C replaced by T.
Molecular consequence: intron variant.
Genome position (GRCh38, 1-based): chr3:69,941,563, C>T. VCF-style: chr3-69941563-C-T. GRCh37 (hg19) VCF-style: chr3-69990714-C-T.
Other names: c.711+232C>T (NM_001354607.2); c.606+232C>T (NM_001354608.2, NM_001184967.2); c.762+232C>T (NM_198159.3); c.759+232C>T (NM_001354605.2, NM_001354606.2, NM_006722.3); c.714+232C>T (NM_198177.3); c.441+232C>T (NM_000248.4, NM_198158.3); c.273+232C>T (NM_198178.3).
Identifiers: ClinVar variation 676893 (VCV000676893.1), dbSNP rs79668299, ClinGen allele CA77000911.

ClinVar aggregate classification (germline): Likely benign (1 of 4 stars; one submission).

Allele frequency attached by ClinVar (database versions not stated): 1000 Genomes Project 0.00459; 1000 Genomes Project 30x 0.00500; gnomAD 0.00590 and 0.00640; TOPMed 0.00662.
gnomAD v4.1: 892 of 152,282 alleles (0.59%); highest among the groups gnomAD compares: African/African-American, 2%; 6 homozygotes.

Submission:

GeneDx
Classification: Likely benign. Last evaluated: 2018-06-12. Review status: criteria provided, single submitter. Criteria: GeneDx Variant Classification (06012015). Collection method: clinical testing. Allele origin: germline. Affected: yes.
Comment: This variant is considered likely benign or benign based on one or more of the following criteria: it is a conservative change, it occurs at a poorly conserved position in the protein, it is predicted to be benign by multiple in silico algorithms, and/or has population frequency not consistent with disease.